The following is an entry in ClinVar:

ClinVar aggregate classification (germline): Likely benign (0 of 4 stars; one submission).

gnomAD v4.1: 15 of 1,613,892 alleles (0.00093%); highest among the groups gnomAD compares: South Asian, 0.015%; 1 homozygote.

Submission:

Wilkie Group, Clinical Genetics Lab, WIMM, University of Oxford
Classification: Likely benign. Last evaluated: 2025-01-22. Review status: no assertion criteria provided. Collection method: research. Allele origin: germline. Affected: no. Observed: 3 variant alleles, 3 homozygotes.
Comment: Normal or inconsistent phenotype

NM_004753.7(DHRS3):c.344G>A (p.Gly115Asp)

Gene: DHRS3 (dehydrogenase/reductase 3; minus strand). Cytogenetic location: 1p36.21.
Variant type: single nucleotide variant.
Coding change: c.344G>A on transcript NM_004753.7 (MANE Select); coding-DNA position 344, G replaced by A.
Protein change: p.Gly115Asp; replaces glycine 115 with aspartic acid.
Molecular consequence: missense variant.
Genome position (GRCh38, 1-based): chr1:12,579,408, C>T on the plus strand (G>A on the coding strand, the complement: DHRS3 is on the minus strand). VCF-style: chr1-12579408-C-T. GRCh37 (hg19) VCF-style: chr1-12639436-C-T.
Other names: c.89G>A, p.Gly30Asp (NM_001319225.2, NM_001324370.2); short protein forms G115D, G30D.
Identifiers: ClinVar variation 3600356 (VCV003600356.2).
Genomic context (GRCh38, chr1:12,579,408, plus strand): 5'-CTGTCCATTAGGCTCTTCCCATGGACCACGGCGGCATTGTTCACCAGGATGGTGATGTCA[C>T]CCACCTGCAGGCGAGAGGGAGCCACGGGGCCATGAGGGCAGCCAGCCCAGGGCCAACGAT-3'
Protein context (NP_004744.2, residues 105-125): QTAKAVREKV[Gly115Asp]DITILVNNAA